The following is an entry in ClinVar:

NM_001876.4(CPT1A):c.1593_1594del (p.Glu531fs)

Gene: CPT1A (carnitine palmitoyltransferase 1A; minus strand). Cytogenetic location: 11q13.3.
Variant type: Microsatellite.
Coding change: c.1593_1594del on transcript NM_001876.4 (MANE Select); coding-DNA positions 1593 to 1594, 2 bases deleted (GA; older notation c.1593_1594delGA).
Protein change: p.Glu531fs; shifts the reading frame from glutamic acid 531.
Molecular consequence: frameshift variant.
Genome position (GRCh38, 1-based): chr11:68,773,411-68,773,412, TC deleted on the plus strand (GA on the coding strand, the reverse complement: CPT1A is on the minus strand); deleting any 2 consecutive bases within chr11:68,773,411-68,773,415 gives the same sequence; the c. name uses the placement nearest the transcript's 3' end. VCF-style (leftmost placement, unchanged base first): chr11-68773410-GTC-G. GRCh37 (hg19) VCF-style: chr11-68540878-GTC-G.
Other names: c.1593_1594del, p.Glu531fs (NM_001031847.3); short protein forms E531fs.
Identifiers: ClinVar variation 2630152 (VCV002630152.6), dbSNP rs2495553333, ClinGen allele CA2695198931.
Genomic context (GRCh38, chr11:68,773,410, plus strand): 5'-ACGAATGGGAAGGAATGGAAATCCACGTCGTTTGCCAGAAGATTTGCGGTGTTCAGGGAG[GTC>G]TCTATAACCTCTTGACACTTGAGAGAAAGAAGAAAAAGGTTTTACGGAACGAGGGGAGAA-3'

ClinVar aggregate classification (germline): Pathogenic/Likely pathogenic. Review status: criteria provided, multiple submitters, no conflicts (2 of 4 stars). 3 submissions from 3 submitters: Pathogenic (1); Likely pathogenic (2). Last evaluated 2025-10-13.

Conditions:
CPT1A-related disorder. Also called: CPT1A-related condition.
Carnitine palmitoyl transferase 1A deficiency. Also called: Carnitine palmitoyltransferase 1A deficiency; CPT deficiency, hepatic, type IA; Carnitine palmitoyltransferase type I deficiency; CPT I DEFICIENCY; CPT DEFICIENCY, HEPATIC, TYPE I. Identifiers: Orphanet 156, MedGen C1829703, MONDO:0009705, OMIM 255120.

Submissions (3):

PreventionGenetics, part of Exact Sciences
Classification: Likely pathogenic for CPT1A-related condition. Last evaluated: 2025-10-13. Review status: criteria provided, single submitter. Criteria: ACMG Guidelines, 2015. Collection method: clinical testing. Allele origin: germline.
Comment: The CPT1A c.1593_1594delGA variant is predicted to result in a frameshift and premature protein termination (p.Glu531Aspfs*25). To our knowledge, this variant has not been reported in the literature or in a large population database (gnomAD), indicating this variant is rare. Frameshift variants in CPT1A are expected to be pathogenic. This variant is interpreted as likely pathogenic.

Labcorp Genetics (formerly Invitae), Labcorp
Classification: Pathogenic for Carnitine palmitoyl transferase 1A deficiency. Last evaluated: 2024-03-20. Review status: criteria provided, single submitter. Criteria: Invitae Variant Classification Sherloc (09022015). Collection method: clinical testing. Allele origin: germline.
Comment: This sequence change creates a premature translational stop signal (p.Glu531Aspfs*25) in the CPT1A gene. It is expected to result in an absent or disrupted protein product. Loss-of-function variants in CPT1A are known to be pathogenic (PMID: 16169268). This variant is not present in population databases (gnomAD no frequency). This variant has not been reported in the literature in individuals affected with CPT1A-related conditions. ClinVar contains an entry for this variant (Variation ID: 2630152). For these reasons, this variant has been classified as Pathogenic.

Juno Genomics, Hangzhou Juno Genomics, Inc
Classification: Likely pathogenic for Carnitine palmitoyl transferase 1A deficiency. Review status: criteria provided, single submitter. Criteria: ACMG Guidelines, 2015. Collection method: clinical testing. Allele origin: germline. Affected: yes.
Comment: Null variant in a gene where loss of function (LOF) is a known mechanism of disease.;Absent from controls (or at extremely low frequency if recessive) in Genome Aggregation Database, Exome Sequencing Project, 1000 Genomes Project, or Exome Aggregation Consortium.

Literature cited by the submitters: PubMed 16169268 (cited by Labcorp Genetics (formerly Invitae), Labcorp).